The following is an entry in ClinVar:

ClinVar aggregate classification (germline): Pathogenic/Likely pathogenic. Review status: criteria provided, multiple submitters, no conflicts (2 of 4 stars). 10 submissions from 10 submitters: Pathogenic (8); Likely pathogenic (2). Last evaluated 2025-12-22.

Conditions:
Primary ciliary dyskinesia. Also called: Ciliary dyskinesia. Identifiers: Orphanet 244, MedGen C0008780, MONDO:0016575, HP:0012265.
Primary ciliary dyskinesia 3. Identifiers: Orphanet 244, MedGen C1837618, MONDO:0012085, OMIM 608644.

Submissions (10):

Natera, Inc.
Classification: Pathogenic for Primary ciliary dyskinesia. Last evaluated: 2025-12-22. Review status: criteria provided, single submitter. Criteria: Natera Variant Classification Schema (03/2026). Collection method: clinical testing. Allele origin: germline.
Comment: The c.13194_13197delCAGA variant in DNAH5 is a frameshift variant predicted to shift the reading frame beginning at codon 4398 and leads to a stop codon 16 codons downstream. This variant is expected to result in nonsense mediated decay, truncation, or a dysfunctional protein product. This variant is rare in the general population with a frequency below the threshold expected for the associated phenotype(s). This variant has been observed in one or more individuals affected with the associated recessive disease, as either homozygous or compound heterozygous with a second variant (PMID: 33561200). Given the available evidence, this variant is classified as Pathogenic.

Labcorp Genetics (formerly Invitae), Labcorp
Classification: Pathogenic for Primary ciliary dyskinesia. Last evaluated: 2025-12-13. Review status: criteria provided, single submitter. Criteria: Invitae Variant Classification Sherloc (09022015). Collection method: clinical testing. Allele origin: germline.
Comment: This sequence change creates a premature translational stop signal (p.Asp4398Glufs*16) in the DNAH5 gene. It is expected to result in an absent or disrupted protein product. Loss-of-function variants in DNAH5 are known to be pathogenic (PMID: 11788826, 16627867). This variant is present in population databases (rs727502971, gnomAD 0.005%). This premature translational stop signal has been observed in individual(s) with primary ciliary dyskinesia (PMID: 16627867, 26373788). In at least one individual the data is consistent with being in trans (on the opposite chromosome) from a pathogenic variant. ClinVar contains an entry for this variant (Variation ID: 163134). For these reasons, this variant has been classified as Pathogenic.

Myriad Genetics, Inc.
Classification: Pathogenic for Primary ciliary dyskinesia 3. Last evaluated: 2024-05-14. Review status: criteria provided, single submitter. Criteria: Myriad Autosomal Dominant, Autosomal Recessive and X-Linked Classification Criteria (2023). Collection method: clinical testing. Allele origin: unknown.
Comment: NM_001369.2(DNAH5):c.13194_13197delCAGA(D4398Efs*16) is expected to be pathogenic in the context of primary ciliary dyskinesia, DNAH5-related. This variant is predicted to lead to an abnormal or absent protein product due to the creation of a premature termination codon in DNAH5, a gene where loss-of-function variants are known to be pathogenic. Please note: this variant was assessed in the context of healthy population screening.

New York Genome Center
Classification: Pathogenic for Primary ciliary dyskinesia 3. Last evaluated: 2024-03-01. Review status: criteria provided, single submitter. Criteria: NYGC Assertion Criteria 2020. Collection method: clinical testing. Allele origin: inherited. Affected: yes. Observed: 1 variant allele, 1 compound heterozygote.
Comment: The inherited c.13194_13197del variant identified in the DNAH5 gene has previously been reported in at least two families with primary ciliarydyskinesia in trans with another DNAH5 variant [PMID: 16627867, 19357118], and it has been classified as Pathogenic/Likely Pathogenic by multiple submitters inClinVar [Variation ID: 163134]. The c.13194_13197del variant is observed in 34 alleles (0.001% minor allele frequency with 0 homozygote) in population databases(gnomAD v4.0.0 and TOPMed Freeze 8), suggesting it is not a common benign variant in the populations represented in those databases. The c.13194_13197del variant is located in exon 77 of this 79-exon gene, is predicted to result in a frameshift of the protein and incorporation a premature stop codon p.(Asp4398GlufsTer16), which is expected to lead to loss of function via nonsense mediated decay. Based on available evidence, this inherited heterozygous c.13194_13197del p.(Asp4398GlufsTer16) variant identified in the DNAH5 gene is classified as Pathogenic.

Fulgent Genetics
Classification: Pathogenic for Primary ciliary dyskinesia 3. Last evaluated: 2024-01-17. Review status: criteria provided, single submitter. Criteria: ACMG Guidelines, 2015. Collection method: clinical testing. Allele origin: germline.

Department of Pathology and Laboratory Medicine, Sinai Health System
Classification: Likely pathogenic for Primary ciliary dyskinesia 3. Last evaluated: 2023-02-20. Review status: criteria provided, single submitter. Criteria: ACMG Guidelines, 2015. Collection method: research. Allele origin: germline.

CeGaT Center for Human Genetics Tuebingen
Classification: Pathogenic. Last evaluated: 2022-01-01. Review status: criteria provided, single submitter. Criteria: CeGaT Center For Human Genetics Tuebingen Variant Classification Criteria Version 2. Collection method: clinical testing. Allele origin: germline. Affected: yes. Observed: 1 variant allele.

Institute of Medical Genetics and Applied Genomics, University Hospital Tübingen
Classification: Pathogenic. Last evaluated: 2020-10-23. Review status: criteria provided, single submitter. Criteria: ACMG Guidelines, 2015. Collection method: clinical testing. Allele origin: germline. Inheritance: Autosomal recessive inheritance. Affected: yes.

Laboratory for Molecular Medicine, Mass General Brigham Personalized Medicine
Classification: Likely pathogenic for Primary ciliary dyskinesia. Last evaluated: 2013-11-08. Review status: criteria provided, single submitter. Criteria: LMM Criteria. Collection method: clinical testing. Allele origin: germline. Inheritance: Autosomal recessive inheritance. Observed: 2 variant alleles.
Comment: The Asp4398fs variant in DNAH5 has been reported in one individual with PCD and outer dynein arm (ODA) defects who carried a missense variant identified on the other copy of this gene (Hornef 2006). The variant has not been identified in la rge population studies. This frameshift variant is predicted to alter the protei n's amino acid sequence beginning at position 4398 and lead to a premature termi nation codon 16 amino acids downstream. This alteration is then predicted to lea d to a truncated or absent protein. Frameshift and other truncating variants in DNAH5 are associated with autosomal recessive PCD (Hornef 2006). In summary, thi s variant is likely pathogenic, though additional studies are required to fully establish its clinical significance.

Juno Genomics, Hangzhou Juno Genomics, Inc
Classification: Pathogenic for Primary ciliary dyskinesia 3. Review status: criteria provided, single submitter. Criteria: ACMG Guidelines, 2015. Collection method: clinical testing. Allele origin: germline. Affected: yes.
Comment: Absent from controls (or at extremely low frequency if recessive) in Genome Aggregation Database.;Null variant in a gene where loss of function (LOF) is a known mechanism of disease.;For recessive disorders, detected in trans with a pathogenic variant.;Patient's phenotype or family history is highly specific for a disease with a single genetic etiology.

Literature cited by the submitters: PubMed 33561200 (cited by Natera, Inc.); PubMed 11788826 (cited by Labcorp Genetics (formerly Invitae), Labcorp); PubMed 16627867 (cited by 3 submitters); PubMed 26373788 (cited by Labcorp Genetics (formerly Invitae), Labcorp); PubMed 19357118 (cited by New York Genome Center and Laboratory for Molecular Medicine, Mass General Brigham Personalized Medicine).

NM_001369.3(DNAH5):c.13194_13197del (p.Asp4398fs)

Gene: DNAH5 (dynein axonemal heavy chain 5; minus strand). Cytogenetic location: 5p15.2.
Variant type: Deletion.
Coding change: c.13194_13197del on transcript NM_001369.3 (MANE Select); coding-DNA positions 13194 to 13197, 4 bases deleted (CAGA; older notation c.13194_13197delCAGA).
Protein change: p.Asp4398fs; shifts the reading frame from aspartic acid 4398.
Molecular consequence: frameshift variant.
Genome position (GRCh38, 1-based): chr5:13,708,264-13,708,267, TCTG deleted on the plus strand (CAGA on the coding strand, the reverse complement: DNAH5 is on the minus strand); deleting any 4 consecutive bases within chr5:13,708,264-13,708,270 gives the same sequence; the c. name uses the placement nearest the transcript's 3' end. VCF-style (leftmost placement, unchanged base first): chr5-13708263-TTCTG-T. GRCh37 (hg19) VCF-style: chr5-13708372-TTCTG-T.
Other names: c.13194_13197delCAGA (NM_001369.2); short protein forms D4398fs.
Identifiers: ClinVar variation 163134 (VCV000163134.53), dbSNP rs727502971, ClinGen allele CA273135.